The following is an entry in ClinVar:

ClinVar aggregate classification (germline): Uncertain significance. Review status: criteria provided, multiple submitters, no conflicts (2 of 4 stars). 2 submissions from 2 submitters: Uncertain significance (2). Last evaluated 2025-09-01.

Conditions:
Inborn genetic diseases. Identifiers: MedGen C0950123, MeSH D030342.

Allele frequency attached by ClinVar (database versions not stated): gnomAD 0.00002; gnomAD exomes 0.00002; TOPMed 0.00003; ExAC 0.00004.
gnomAD v4.1: 32 of 1,614,028 alleles (0.002%); highest among the groups gnomAD compares: Admixed American, 0.028%; no homozygotes.

Submissions (2):

Ambry Genetics
Classification: Uncertain significance for Inborn genetic diseases. Last evaluated: 2025-09-01. Review status: criteria provided, single submitter. Criteria: Ambry Variant Classification Scheme 2023. Collection method: clinical testing. Allele origin: germline.

Labcorp Genetics (formerly Invitae), Labcorp
Classification: Uncertain significance. Last evaluated: 2022-08-21. Review status: criteria provided, single submitter. Criteria: Invitae Variant Classification Sherloc (09022015). Collection method: clinical testing. Allele origin: germline.
Comment: In summary, the available evidence is currently insufficient to determine the role of this variant in disease. Therefore, it has been classified as a Variant of Uncertain Significance. Algorithms developed to predict the effect of missense changes on protein structure and function output the following: SIFT: "Tolerated"; PolyPhen-2: "Benign"; Align-GVGD: "Class C0". The threonine amino acid residue is found in multiple mammalian species, which suggests that this missense change does not adversely affect protein function. This variant has not been reported in the literature in individuals affected with DEGS1-related conditions. This variant is present in population databases (rs772169274, gnomAD 0.04%). This sequence change replaces alanine, which is neutral and non-polar, with threonine, which is neutral and polar, at codon 57 of the DEGS1 protein (p.Ala57Thr).

NM_003676.4(DEGS1):c.169G>A (p.Ala57Thr)

Gene: DEGS1 (delta 4-desaturase, sphingolipid 1; plus strand). Cytogenetic location: 1q42.11.
Variant type: single nucleotide variant.
Coding change: c.169G>A on transcript NM_003676.4 (MANE Select); coding-DNA position 169, G replaced by A.
Protein change: p.Ala57Thr; replaces alanine 57 with threonine.
Molecular consequence: missense variant.
Genome position (GRCh38, 1-based): chr1:224,189,663, G>A. VCF-style: chr1-224189663-G-A. GRCh37 (hg19) VCF-style: chr1-224377365-G-A.
Other names: c.169G>A (NM_003676.2); c.169G>A, p.Ala57Thr (NM_001321541.2); c.61G>A, p.Ala21Thr (NM_001321542.2); short protein forms A21T, A57T.
Identifiers: ClinVar variation 2176228 (VCV002176228.5), dbSNP rs772169274, ClinGen allele CA1413589.